The following is an entry in ClinVar:

ClinVar aggregate classification (germline): Likely benign. Review status: criteria provided, multiple submitters, no conflicts (2 of 4 stars). 3 submissions from 3 submitters: Likely benign (2). 1 of the submissions does not count toward it. Last evaluated 2025-06-19.

Conditions:
CAD-related disorder. Also called: CAD-related condition.

Allele frequency attached by ClinVar (database versions not stated): gnomAD exomes below 0.00001 and 0.00001; ExAC 0.00001; TOPMed 0.00001; ESP Exome Variant Server 0.00008.
gnomAD v4.1: 4 of 1,614,046 alleles (0.00025%); highest among the groups gnomAD compares: Non-Finnish European, 0.00025%; no homozygotes.

Submissions (3):

Labcorp Genetics (formerly Invitae), Labcorp
Classification: Likely benign. Last evaluated: 2025-06-19. Review status: criteria provided, single submitter. Criteria: Invitae Variant Classification Sherloc (09022015). Collection method: clinical testing. Allele origin: germline.

CeGaT Center for Human Genetics Tuebingen
Classification: Likely benign. Last evaluated: 2024-07-01. Review status: criteria provided, single submitter. Criteria: CeGaT Center For Human Genetics Tuebingen Variant Classification Criteria Version 2. Collection method: clinical testing. Allele origin: germline. Affected: yes. Observed: 1 variant allele.
Comment: CAD: BP4, BP7

PreventionGenetics, part of Exact Sciences
Classification: Likely benign for CAD-related condition. Last evaluated: 2023-04-19. Review status: no assertion criteria provided. Collection method: clinical testing. Allele origin: germline. Not counted in ClinVar's aggregate classification.
Comment: This variant is classified as likely benign based on ACMG/AMP sequence variant interpretation guidelines (Richards et al. 2015 PMID: 25741868, with internal and published modifications).

NM_004341.5(CAD):c.5352C>T (p.Arg1784=)

Gene: CAD (carbamoyl-phosphate synthetase 2, aspartate transcarbamylase, and dihydroorotase; plus strand). Cytogenetic location: 2p23.3.
Variant type: single nucleotide variant.
Coding change: c.5352C>T on transcript NM_004341.5 (MANE Select); coding-DNA position 5352, C replaced by T.
Protein change: p.Arg1784=; no amino-acid change (arginine 1784 retained).
Molecular consequence: synonymous variant.
Genome position (GRCh38, 1-based): chr2:27,239,429, C>T. VCF-style: chr2-27239429-C-T. GRCh37 (hg19) VCF-style: chr2-27462297-C-T.
Other names: c.5163C>T, p.Arg1721= (NM_001306079.2); c.5352C>T (NM_004341.4).
Identifiers: ClinVar variation 1638125 (VCV001638125.26), dbSNP rs367628714, ClinGen allele CA1573823.